The following is an entry in ClinVar:

NM_173728.4(ARHGEF15):c.711C>T (p.Val237=)

Gene: ARHGEF15 (Rho guanine nucleotide exchange factor 15; plus strand). Cytogenetic location: 17p13.1.
Variant type: single nucleotide variant.
Coding change: c.711C>T on transcript NM_173728.4 (MANE Select); coding-DNA position 711, C replaced by T.
Protein change: p.Val237=; no amino-acid change (valine 237 retained).
Molecular consequence: synonymous variant.
Genome position (GRCh38, 1-based): chr17:8,313,031, C>T. VCF-style: chr17-8313031-C-T. GRCh37 (hg19) VCF-style: chr17-8216349-C-T.
Other names: c.711C>T, p.Val237= (NM_025014.2).
Identifiers: ClinVar variation 412684 (VCV000412684.15), dbSNP rs537744294, ClinGen allele CA8374960.

ClinVar aggregate classification (germline): Benign. Review status: criteria provided, single submitter (1 of 4 stars). 2 submissions from 2 submitters: Benign (1). 1 of the submissions does not count toward it. Last evaluated 2025-12-28.

Conditions:
Early-infantile DEE. Also called: Ohtahara syndrome; Early infantile epileptic encephalopathy with suppression bursts; Early infantile epileptic encephalopathy. Identifiers: Orphanet 1934, MedGen C0393706, MONDO:0800491.
ARHGEF15-related disorder. Also called: ARHGEF15-related condition.

Allele frequency attached by ClinVar (database versions not stated): TOPMed 0.00006; gnomAD 0.00010; 1000 Genomes Project 30x 0.00187; 1000 Genomes Project 0.00220; ExAC 0.00233.
gnomAD v4.1: 1,458 of 1,613,112 alleles (0.09%); highest among the groups gnomAD compares: South Asian, 1.4%; 26 homozygotes.

Submissions (2):

Labcorp Genetics (formerly Invitae), Labcorp
Classification: Benign for Early-infantile DEE. Last evaluated: 2025-12-28. Review status: criteria provided, single submitter. Criteria: Invitae Variant Classification Sherloc (09022015). Collection method: clinical testing. Allele origin: germline.

PreventionGenetics, part of Exact Sciences
Classification: Benign for ARHGEF15-related condition. Last evaluated: 2019-08-30. Review status: no assertion criteria provided. Collection method: clinical testing. Allele origin: germline. Not counted in ClinVar's aggregate classification.
Comment: This variant is classified as benign based on ACMG/AMP sequence variant interpretation guidelines (Richards et al. 2015 PMID: 25741868, with internal and published modifications).